The following is an entry in ClinVar:

NM_014991.6(WDFY3):c.9597del (p.Asn3200fs)

Gene: WDFY3 (WD repeat and FYVE domain containing 3; minus strand). Cytogenetic location: 4q21.23.
Variant type: Deletion.
Coding change: c.9597del on transcript NM_014991.6 (MANE Select); coding-DNA position 9597, one base deleted (G; older notation c.9597delG).
Protein change: p.Asn3200fs; shifts the reading frame from asparagine 3200.
Molecular consequence: frameshift variant.
Genome position (GRCh38, 1-based): chr4:84,684,072, C deleted on the plus strand (G on the coding strand, the reverse complement: WDFY3 is on the minus strand); the first of 3 consecutive C bases (chr4:84,684,072-84,684,074); deleting any one gives the same sequence. VCF-style (leftmost placement, unchanged base first): chr4-84684071-TC-T. GRCh37 (hg19) VCF-style: chr4-85605224-TC-T.
Other names: short protein forms N3200fs.
Identifiers: ClinVar variation 2229123 (VCV002229123.2), dbSNP rs2530562901, ClinGen allele CA2580071845.

ClinVar aggregate classification (germline): Pathogenic (1 of 4 stars; one submission).

Conditions:
Inborn genetic diseases. Identifiers: MedGen C0950123, MeSH D030342.

Submission:

Ambry Genetics
Classification: Pathogenic for Inborn genetic diseases. Last evaluated: 2021-02-11. Review status: criteria provided, single submitter. Criteria: Ambry Variant Classification Scheme 2023. Collection method: clinical testing. Allele origin: germline.
Comment: The c.9597delG (p.N3200Tfs*4) alteration, located in exon 63 (coding exon 60) of the WDFY3 gene, consists of a deletion of one nucleotide at position 9597, causing a translational frameshift with a predicted alternate stop codon after 4 amino acids. This alteration is expected to result in loss of function by premature protein truncation or nonsense-mediated mRNA decay. Based on data from the Genome Aggregation Database (gnomAD), the WDFY3 c.9597delG alteration was not observed, with coverage at this position. This amino acid position is not well conserved in available vertebrate species. Based on the available evidence, this alteration is classified as pathogenic.